The following is an entry in ClinVar:

NM_001284401.2(TAMM41):c.709-3C>A

Gene: TAMM41 (TAM41 mitochondrial translocator assembly and maintenance homolog). Cytogenetic location: 3p25.2.
Variant type: single nucleotide variant.
Coding change: c.709-3C>A on transcript NM_001284401.2 (MANE Select); 3 bases into the intron before coding-DNA position 709, C replaced by A.
Molecular consequence: intron variant.
Genome position (GRCh38, 1-based): chr3:11,809,685, G>T on the plus strand (C>A on the coding strand, the complement: TAMM41 is on the minus strand). VCF-style: chr3-11809685-G-T. GRCh37 (hg19) VCF-style: chr3-11851159-G-T.
Other names: c.709-3C>A (NM_138807.4, NM_001394474.1); c.586-3C>A (NM_001321294.2); c.211-3C>A (NM_001321295.2).
Identifiers: ClinVar variation 3775079 (VCV003775079.1).

ClinVar aggregate classification (germline): Likely pathogenic (1 of 4 stars; one submission).

Conditions:
Combined oxidative phosphorylation deficiency 56 (COXPD56). Identifiers: MedGen C5774261, MONDO:0859323, OMIM 620139.

gnomAD v4.1: 15 of 1,594,106 alleles (0.00094%); highest among the groups gnomAD compares: South Asian, 0.0069%; no homozygotes.

Submission:

Kasturba Medical College, Manipal, Kasturba Medical College, Manipal, Manipal Academy of Higher Education, Manipal, India
Classification: Likely pathogenic for Combined oxidative phosphorylation deficiency 56. Review status: criteria provided, single submitter. Criteria: ACMG Guidelines, 2015. Collection method: research. Allele origin: germline. Inheritance: Autosomal recessive inheritance. Affected: yes. Observed: 1 homozygote.
Comment: This variant is not reported in homozygous state in gnomAD population database (v4.1.0) and our in-house database of 3412 individuals. Splice-site analysis showed that the variant c.709-3C>A causes aberrant splicing. The aberrant transcript lacks exon 5 of ~145bp, r.(563_708del) p.(Gly188AspfsTer3) which further causes a shift in the reading frame of the transcript leading to nonsense mediated mRNA decay.